The following is an entry in ClinVar:

NM_198253.3(TERT):c.*99C>T

Gene: TERT (telomerase reverse transcriptase; minus strand). Cytogenetic location: 5p15.33.
Variant type: single nucleotide variant.
Coding change: c.*99C>T on transcript NM_198253.3 (MANE Select); 99 bases downstream of the stop codon, C replaced by T.
Molecular consequence: 3 prime UTR variant. On other transcripts: non-coding transcript variant (2).
Genome position (GRCh38, 1-based): chr5:1,253,629, G>A on the plus strand (C>T on the coding strand, the complement: TERT is on the minus strand). VCF-style: chr5-1253629-G-A. GRCh37 (hg19) VCF-style: chr5-1253744-G-A.
Other names: c.*99C>T (NM_001193376.3).
Identifiers: ClinVar variation 350515 (VCV000350515.10), dbSNP rs2853690, ClinGen allele CA10622324.
Genomic context (GRCh38, chr5:1,253,629, plus strand): 5'-TCAGCCGGACATGCAGGCCTCGGCCAAACACTCACTCAGGCCTCAGACTCCCAGCGGTGC[G>A]GGCCTGGGTGTGGGCCGCCCCTCCCTCCCTGGGACGTAGAGCCCGGCGTGACAGGGCTGC-3'

ClinVar aggregate classification (germline): Benign. Review status: criteria provided, multiple submitters, no conflicts (2 of 4 stars). 6 submissions from 4 submitters: Benign (6). Last evaluated 2024-01-24.

Conditions:
Aplastic anemia. Identifiers: Orphanet 182040, Orphanet 88, MedGen C0002874, MONDO:0015909, OMIM 609135, HP:0001915.
Pulmonary fibrosis and/or bone marrow failure, Telomere-related, 1. Also called: PULMONARY FIBROSIS AND/OR BONE MARROW FAILURE SYNDROME, TELOMERE-RELATED, 1. Identifiers: Orphanet 88, MedGen C3553617, MONDO:0013878, OMIM 614742.
Dyskeratosis congenita, autosomal dominant 2. Identifiers: MedGen C3151443, MONDO:0013521, OMIM 613989.

Allele frequency attached by ClinVar (database versions not stated): 1000 Genomes Project 0.15315; 1000 Genomes Project 30x 0.15896; gnomAD 0.19362 and 0.20149; TOPMed 0.20182.
gnomAD v4.1: 166,815 of 998,776 alleles (17%); highest among the groups gnomAD compares: African/African-American, 31%; 16,193 homozygotes.

Submissions (6):

Unidad de Genómica Garrahan, Hospital de Pediatría Garrahan
Classification: Benign. Last evaluated: 2024-01-24. Review status: criteria provided, single submitter. Criteria: ACMG Guidelines, 2015. Collection method: clinical testing. Allele origin: germline. Affected: no. Observed: 21 variant alleles.
Comment: This variant is classified as Benign based on local population frequency. This variant was detected in 22% of patients studied by a panel of primary immunodeficiencies. Number of patients: 21. Only high quality variants are reported.

GeneDx
Classification: Benign. Last evaluated: 2018-11-08. Review status: criteria provided, single submitter. Criteria: GeneDx Variant Classification Process June 2021. Collection method: clinical testing. Allele origin: germline. Affected: yes.

Illumina Laboratory Services, Illumina
Classification: Benign for Pulmonary fibrosis and/or bone marrow failure, Telomere-related, 1. Last evaluated: 2017-04-27. Review status: criteria provided, single submitter. Criteria: ICSL Variant Classification Criteria 13 December 2019. Collection method: clinical testing. Allele origin: germline.
Comment: This variant was observed as part of a predisposition screen in an ostensibly healthy population. A literature search was performed for the gene, cDNA change, and amino acid change (where applicable). No publications were found based on this search. Allele frequency data from public databases was too high to be consistent with this variant causing disease. Therefore, this variant is classified as benign.

Illumina Laboratory Services, Illumina
Classification: Benign for Aplastic anemia. Last evaluated: 2017-04-27. Review status: criteria provided, single submitter. Criteria: ICSL Variant Classification Criteria 13 December 2019. Collection method: clinical testing. Allele origin: germline.
Comment: the same text as in the submission from Illumina Laboratory Services, Illumina above.

Illumina Laboratory Services, Illumina
Classification: Benign for Dyskeratosis congenita, autosomal dominant 2. Last evaluated: 2017-04-27. Review status: criteria provided, single submitter. Criteria: ICSL Variant Classification Criteria 13 December 2019. Collection method: clinical testing. Allele origin: germline.
Comment: the same text as in the submission from Illumina Laboratory Services, Illumina above.

Breakthrough Genomics
Classification: Benign. Review status: criteria provided, single submitter. Criteria: ACMG Guidelines, 2015. Collection method: not provided. Allele origin: germline. Inheritance: Autosomal dominant inheritance. Affected: yes.